The following is an entry in ClinVar:

NM_007294.4(BRCA1):c.2963C>T (p.Ser988Leu)

Gene: BRCA1 (BRCA1 DNA repair associated; minus strand). Cytogenetic location: 17q21.31.
Variant type: single nucleotide variant.
Coding change: c.2963C>T on transcript NM_007294.4 (MANE Select); coding-DNA position 2963, C replaced by T.
Protein change: p.Ser988Leu; replaces serine 988 with leucine.
Molecular consequence: missense variant. On other transcripts: intron variant (137).
Genome position (GRCh38, 1-based): chr17:43,092,568, G>A on the plus strand (C>T on the coding strand, the complement: BRCA1 is on the minus strand). VCF-style: chr17-43092568-G-A. GRCh37 (hg19) VCF-style: chr17-41244585-G-A.
Other names: 3082C>T; c.2840C>T, p.Ser947Leu (NM_001407681.1, NM_001407682.1, NM_001407683.1 and 19 more transcripts); c.2963C>T, p.Ser988Leu (NM_001407684.1, NM_001407854.1, NM_001407858.1 and 30 more transcripts); c.2837C>T, p.Ser946Leu (NM_001407685.1, NM_001407686.1, NM_001407687.1 and 11 more transcripts); c.2822C>T, p.Ser941Leu (NM_001407692.1, NM_001407694.1, NM_001407695.1 and 29 more transcripts); c.2819C>T, p.Ser940Leu (NM_001407740.1, NM_001407741.1, NM_001407742.1 and 20 more transcripts); c.2750C>T, p.Ser917Leu (NM_001407853.1, NM_001407894.1, NM_001407895.1 and 9 more transcripts); c.2960C>T, p.Ser987Leu (NM_001407860.1, NM_001407861.1, NM_001407587.1 and 22 more transcripts); and 42 more; short protein forms S988L, S941L, S918L, S920L, S921L, S900L, S961L, S985L.
Identifiers: ClinVar variation 37494 (VCV000037494.33), dbSNP rs397507206, ClinGen allele CA001928.

ClinVar aggregate classification (germline): Conflicting classifications of pathogenicity. Review status: criteria provided, conflicting classifications (1 of 4 stars). 11 submissions from 11 submitters: Uncertain significance (1); Likely benign (8). 2 of the submissions do not count toward it. Last evaluated 2026-03-02.

Conditions:
BRCA1-related disorder. Also called: BRCA1-related condition.
BRCA1-related cancer predisposition. Identifiers: MedGen CN377757, MONDO:0700268.
Hereditary cancer-predisposing syndrome. Also called: Tumor predisposition; Neoplastic Syndromes, Hereditary; Hereditary Cancer Syndrome; Hereditary neoplastic syndrome. Identifiers: Orphanet 140162, MedGen C0027672, MeSH D009386, MONDO:0015356.
Hereditary breast ovarian cancer syndrome. Also called: Hereditary breast and ovarian cancer syndrome (HBOC); Hereditary breast and ovarian cancer syndrome; Hereditary breast and ovarian cancer; Hereditary breast and/or ovarian cancer syndrome; Breast and ovarian cancer; BRCA1- and BRCA2-Associated Hereditary Breast and Ovarian Cancer. Identifiers: Orphanet 145, MedGen C0677776, MeSH D061325, MONDO:0003582. Disease mechanism: loss of function.
Breast-ovarian cancer, familial, susceptibility to, 1 (BROVCA1). Also called: OVARIAN CANCER, SUSCEPTIBILITY TO; BRCA1 Hereditary Breast and Ovarian Cancer. Identifiers: Orphanet 145, MedGen C2676676, MONDO:0011450, OMIM 604370. Disease mechanism: loss of function.

Allele frequency attached by ClinVar (database versions not stated): gnomAD 0.00001; gnomAD exomes 0.00001 and 0.00002; ExAC 0.00002; TOPMed 0.00002.
gnomAD v4.1: 6 of 1,613,838 alleles (0.00037%); highest among the groups gnomAD compares: Admixed American, 0.0017%; no homozygotes.

Submissions (11):

PreventionGenetics, part of Exact Sciences
Classification: Likely benign for BRCA1-related condition. Last evaluated: 2026-03-02. Review status: criteria provided, single submitter. Criteria: ACMG Guidelines, 2015. Collection method: clinical testing. Allele origin: germline.
Comment: This variant is classified as likely benign based on ACMG/AMP sequence variant interpretation guidelines (Richards et al. 2015 PMID: 25741868, with internal and published modifications).

Labcorp Genetics (formerly Invitae), Labcorp
Classification: Likely benign for Hereditary breast ovarian cancer syndrome. Last evaluated: 2026-01-07. Review status: criteria provided, single submitter. Criteria: Invitae Variant Classification Sherloc (09022015). Collection method: clinical testing. Allele origin: germline.

Quest Diagnostics Nichols Institute San Juan Capistrano
Classification: Likely benign. Last evaluated: 2025-09-03. Review status: criteria provided, single submitter. Criteria: Quest Diagnostics criteria. Collection method: clinical testing. Allele origin: unknown.

All of Us Research Program, National Institutes of Health
Classification: Likely benign for BRCA1-related cancer predisposition. Last evaluated: 2024-05-14. Review status: criteria provided, single submitter. Criteria: ACMG Guidelines, 2015. Collection method: clinical testing. Allele origin: germline. Inheritance: Autosomal dominant inheritance. Observed: 2 variant alleles, 2 heterozygotes.
Comment: This study involves interpretation of variants in research participants for the purpose of population health screening. Participant phenotype was not available at the time of variant classification. Additional details can be found in publication PMID: 35346344, PMCID: PMC8962531

University of Washington Department of Laboratory Medicine, University of Washington
Classification: Likely benign for Hereditary cancer-predisposing syndrome. Last evaluated: 2023-03-23. Review status: criteria provided, single submitter. Criteria: Dines et al. (Genet Med. 2020). Collection method: curation. Allele origin: germline.
Comment: Missense variant in a coldspot region where missense variants are very unlikely to be pathogenic (PMID:31911673).

BRCA1 coldspot (exon 11 using historical exon numbering). Reclassification based on statistical prior probability

GeneDx
Classification: Likely benign. Last evaluated: 2021-03-05. Review status: criteria provided, single submitter. Criteria: GeneDx Variant Classification Process June 2021. Collection method: clinical testing. Allele origin: germline. Affected: yes.
Comment: Not observed at a significant frequency in large population cohorts (Lek et al., 2016); In silico analysis supports that this missense variant has a deleterious effect on protein structure/function; This variant is associated with the following publications: (PMID: 25722345, 22476429, 27767231, 31131967, 32546644, 30212499)

Ambry Genetics
Classification: Likely benign for Hereditary cancer-predisposing syndrome. Last evaluated: 2020-09-16. Review status: criteria provided, single submitter. Criteria: Ambry Variant Classification Scheme 2023. Collection method: clinical testing. Allele origin: germline.

Color Diagnostics, LLC DBA Color Health
Classification: Likely benign for Hereditary cancer-predisposing syndrome. Last evaluated: 2018-03-12. Review status: criteria provided, single submitter. Criteria: ACMG Guidelines, 2015. Collection method: clinical testing. Allele origin: germline.

Eurofins Ntd Llc (ga)
Classification: Uncertain significance. Last evaluated: 2015-03-18. Review status: criteria provided, single submitter. Criteria: EGL Classification Definitions 2015. Collection method: clinical testing. Allele origin: germline. Observed: 1 variant allele, 1 heterozygote.

BRCAlab, Lund University
Classification: Likely benign for Breast-ovarian cancer, familial, susceptibility to, 1. Last evaluated: 2020-03-02. Review status: no assertion criteria provided. Collection method: clinical testing. Allele origin: germline. Affected: yes. Not counted in ClinVar's aggregate classification.

Sharing Clinical Reports Project (SCRP)
Classification: Benign for Breast-ovarian cancer, familial 1. Last evaluated: 2012-02-01. Review status: no assertion criteria provided. Collection method: clinical testing. Allele origin: germline. Not counted in ClinVar's aggregate classification.

Literature cited by the submitters: PubMed 33471991 (cited by Quest Diagnostics Nichols Institute San Juan Capistrano); PubMed 31911673 (cited by Quest Diagnostics Nichols Institute San Juan Capistrano); PubMed 31131967 (cited by Quest Diagnostics Nichols Institute San Juan Capistrano and Ambry Genetics); PubMed 32546644 (cited by Quest Diagnostics Nichols Institute San Juan Capistrano and Ambry Genetics); PubMed 22476429 (cited by Ambry Genetics).